The following is an entry in ClinVar:

ClinVar aggregate classification (germline): Benign. Review status: criteria provided, multiple submitters, no conflicts (2 of 4 stars). 2 submissions from 2 submitters: Benign (2). Last evaluated 2018-06-14.

Allele frequency attached by ClinVar (database versions not stated): gnomAD exomes 0.45197; TOPMed 0.47445; gnomAD 0.47917 and 0.48188; 1000 Genomes Project 0.47923; 1000 Genomes Project 30x 0.48079.
gnomAD v4.1: 410,697 of 899,628 alleles (46%); highest among the groups gnomAD compares: African/African-American, 59%; 94,402 homozygotes.

Submissions (2):

GeneDx
Classification: Benign. Last evaluated: 2018-06-14. Review status: criteria provided, single submitter. Criteria: GeneDx Variant Classification (06012015). Collection method: clinical testing. Allele origin: germline. Affected: yes.
Comment: This variant is considered likely benign or benign based on one or more of the following criteria: it is a conservative change, it occurs at a poorly conserved position in the protein, it is predicted to be benign by multiple in silico algorithms, and/or has population frequency not consistent with disease.

Breakthrough Genomics
Classification: Benign. Review status: criteria provided, single submitter. Criteria: ACMG Guidelines, 2015. Collection method: not provided. Allele origin: germline. Inheritance: Autosomal recessive inheritance. Affected: yes.

NM_018972.4(GDAP1):c.311-85T>C

Gene: GDAP1 (ganglioside induced differentiation associated protein 1; plus strand). Cytogenetic location: 8q21.11.
Variant type: single nucleotide variant.
Coding change: c.311-85T>C on transcript NM_018972.4 (MANE Select); 85 bases into the intron before coding-DNA position 311, T replaced by C.
Molecular consequence: intron variant.
Genome position (GRCh38, 1-based): chr8:74,360,052, T>C. VCF-style: chr8-74360052-T-C. GRCh37 (hg19) VCF-style: chr8-75272287-T-C.
Other names: c.311-85T>C (NM_001362931.2); c.311-1832T>C (NM_001362930.2); c.-17-85T>C (NM_001362929.2, NM_001362932.2); c.107-85T>C (NM_001040875.4).
Identifiers: ClinVar variation 681274 (VCV000681274.2), dbSNP rs3780014, ClinGen allele CA15543714.
Genomic context (GRCh38, chr8:74,360,052, plus strand): 5'-ATGTCTGAGGTGAGGAGACAGTGTTTTTTGAATATACAGATATGTTGAAAATGTTAATGA[T>C]GAGTGGATAGTGTTTTTGTTTTGCTTTTGAGTGTAACAACTCATGTGTAACTTTTTCTTC-3'